The following is an entry in ClinVar:

ClinVar aggregate classification (germline): Uncertain significance. Review status: criteria provided, multiple submitters, no conflicts (2 of 4 stars). 2 submissions from 2 submitters: Uncertain significance (2). Last evaluated 2024-06-28.

Conditions:
Inborn genetic diseases. Identifiers: MedGen C0950123, MeSH D030342.

Allele frequency attached by ClinVar (database versions not stated): gnomAD 0.00003; TOPMed 0.00006; gnomAD exomes 0.00007; ExAC 0.00020.
gnomAD v4.1: 43 of 1,582,228 alleles (0.0027%); highest among the groups gnomAD compares: Admixed American, 0.078%; no homozygotes.

Submissions (2):

Ambry Genetics
Classification: Uncertain significance for Inborn genetic diseases. Last evaluated: 2024-06-28. Review status: criteria provided, single submitter. Criteria: Ambry Variant Classification Scheme 2023. Collection method: clinical testing. Allele origin: germline.

Labcorp Genetics (formerly Invitae), Labcorp
Classification: Uncertain significance. Last evaluated: 2022-09-27. Review status: criteria provided, single submitter. Criteria: Invitae Variant Classification Sherloc (09022015). Collection method: clinical testing. Allele origin: germline.
Comment: This sequence change replaces glutamic acid, which is acidic and polar, with valine, which is neutral and non-polar, at codon 406 of the LAMA5 protein (p.Glu406Val). This variant is present in population databases (rs758087525, gnomAD 0.1%). This variant has not been reported in the literature in individuals affected with LAMA5-related conditions. Algorithms developed to predict the effect of missense changes on protein structure and function (SIFT, PolyPhen-2, Align-GVGD) all suggest that this variant is likely to be disruptive. In summary, the available evidence is currently insufficient to determine the role of this variant in disease. Therefore, it has been classified as a Variant of Uncertain Significance.

NM_005560.6(LAMA5):c.1217A>T (p.Glu406Val)

Gene: LAMA5 (laminin subunit alpha 5; minus strand). Cytogenetic location: 20q13.33.
Variant type: single nucleotide variant.
Coding change: c.1217A>T on transcript NM_005560.6 (MANE Select); coding-DNA position 1217, A replaced by T.
Protein change: p.Glu406Val; replaces glutamic acid 406 with valine.
Molecular consequence: missense variant.
Genome position (GRCh38, 1-based): chr20:62,346,571, T>A on the plus strand (A>T on the coding strand, the complement: LAMA5 is on the minus strand). VCF-style: chr20-62346571-T-A. GRCh37 (hg19) VCF-style: chr20-60921627-T-A.
Other names: c.1217A>T (NM_005560.3); short protein forms E406V.
Identifiers: ClinVar variation 2165319 (VCV002165319.5), dbSNP rs758087525, ClinGen allele CA9944039.
Genomic context (GRCh38, chr20:62,346,571, plus strand): 5'-CAGACGTGGGGCGAGTCGAGAGGGTGGTTGGGAGAGCGGTAGAAGCCGGGCAGGCAGCGC[T>A]CACAGTTGACGCCGGTGGTGTGGTGCTGGGAGTGCAATGGCCGTTGAGTCTGGGGAGGTC-3'
Protein context (NP_005551.3, residues 396-416): CQHHTTGVNC[Glu406Val]RCLPGFYRSP